The following is an entry in ClinVar:

ClinVar aggregate classification (germline): Uncertain significance (1 of 4 stars; one submission).

Allele frequency attached by ClinVar (database versions not stated): gnomAD 0.00001; gnomAD exomes 0.00001; TOPMed 0.00001.
gnomAD v4.1: 16 of 1,613,562 alleles (0.00099%); highest among the groups gnomAD compares: Non-Finnish European, 0.0014%; no homozygotes.

Submission:

Labcorp Genetics (formerly Invitae), Labcorp
Classification: Uncertain significance. Last evaluated: 2021-10-29. Review status: criteria provided, single submitter. Criteria: Invitae Variant Classification Sherloc (09022015). Collection method: clinical testing. Allele origin: germline.
Comment: This sequence change replaces threonine, which is neutral and polar, with isoleucine, which is neutral and non-polar, at codon 87 of the PEX11B protein (p.Thr87Ile). This variant is present in population databases (no rsID available, gnomAD 0.002%). This variant has not been reported in the literature in individuals affected with PEX11B-related conditions. Algorithms developed to predict the effect of missense changes on protein structure and function (SIFT, PolyPhen-2, Align-GVGD) all suggest that this variant is likely to be disruptive. In summary, the available evidence is currently insufficient to determine the role of this variant in disease. Therefore, it has been classified as a Variant of Uncertain Significance.

NM_003846.3(PEX11B):c.260C>T (p.Thr87Ile)

Gene: PEX11B (peroxisomal biogenesis factor 11 beta; minus strand). Cytogenetic location: 1q21.1.
Variant type: single nucleotide variant.
Coding change: c.260C>T on transcript NM_003846.3 (MANE Select); coding-DNA position 260, C replaced by T.
Protein change: p.Thr87Ile; replaces threonine 87 with isoleucine.
Molecular consequence: missense variant. On other transcripts: non-coding transcript variant (3).
Genome position (GRCh38, 1-based): chr1:145,916,931, G>A on the plus strand (C>T on the coding strand, the complement: PEX11B is on the minus strand). VCF-style: chr1-145916931-G-A. GRCh37 (hg19) VCF-style: chr1-145518158-C-T.
Other names: c.218C>T, p.Thr73Ile (NM_001184795.1); short protein forms T73I, T87I.
Identifiers: ClinVar variation 1370195 (VCV001370195.3), dbSNP rs1270057011, ClinGen allele CA342123477.
Genomic context (GRCh38, chr1:145,916,931, plus strand): 5'-TTTCCAGCCCACAGGACATTGTCACAGGCGAAGTACAAGGCTCGATTGAGGTGACTAACA[G>A]TGATGCAGAATCTCAGGACAACATCTGATAGGTGAACAGCTCTTTTGGCTGACTCAAGGG-3'
Protein context (NP_003837.1, residues 77-97): LSDVVLRFCI[Thr87Ile]VSHLNRALYF